The following is an entry in ClinVar:

ClinVar aggregate classification (germline): Uncertain significance (1 of 4 stars; one submission).

Conditions:
Cardiovascular phenotype. Identifiers: MedGen CN230736.

Allele frequency attached by ClinVar (database versions not stated): gnomAD exomes below 0.00001; ExAC 0.00001.
gnomAD v4.1: 1 of 1,612,108 alleles (0.000062%); no homozygotes.

Submission:

Ambry Genetics
Classification: Uncertain significance for Cardiovascular phenotype. Last evaluated: 2021-11-19. Review status: criteria provided, single submitter. Criteria: Ambry Variant Classification Scheme 2023. Collection method: clinical testing. Allele origin: germline.
Comment: The p.P264L variant (also known as c.791C>T), located in coding exon 1 of the MYPN gene, results from a C to T substitution at nucleotide position 791. The proline at codon 264 is replaced by leucine, an amino acid with similar properties. This amino acid position is conserved. In addition, the in silico prediction for this alteration is inconclusive. Since supporting evidence is limited at this time, the clinical significance of this alteration remains unclear.

NM_032578.4(MYPN):c.791C>T (p.Pro264Leu)

Gene: MYPN (myopalladin; plus strand). Cytogenetic location: 10q21.3.
Variant type: single nucleotide variant.
Coding change: c.791C>T on transcript NM_032578.4 (MANE Select); coding-DNA position 791, C replaced by T.
Protein change: p.Pro264Leu; replaces proline 264 with leucine.
Molecular consequence: missense variant. On other transcripts: 5 prime UTR variant (1), non-coding transcript variant (1).
Genome position (GRCh38, 1-based): chr10:68,122,229, C>T. VCF-style: chr10-68122229-C-T. GRCh37 (hg19) VCF-style: chr10-69881986-C-T.
Other names: c.791C>T, p.Pro264Leu (NM_001256267.2); c.-332C>T (NM_001256268.2); short protein forms P264L.
Identifiers: ClinVar variation 1761216 (VCV001761216.2), dbSNP rs758608559, ClinGen allele CA5522333.